The following is an entry in ClinVar:

NM_001042492.3(NF1):c.4245T>G (p.Asn1415Lys)

Gene: NF1 (neurofibromin 1; plus strand). Cytogenetic location: 17q11.2.
Variant type: single nucleotide variant.
Coding change: c.4245T>G on transcript NM_001042492.3 (MANE Select); coding-DNA position 4245, T replaced by G.
Protein change: p.Asn1415Lys; replaces asparagine 1415 with lysine.
Molecular consequence: missense variant.
Genome position (GRCh38, 1-based): chr17:31,258,415, T>G. VCF-style: chr17-31258415-T-G. GRCh37 (hg19) VCF-style: chr17-29585433-T-G.
Other names: c.4182T>G, p.Asn1394Lys (NM_000267.4); short protein forms N1394K, N1415K.
Identifiers: ClinVar variation 941609 (VCV000941609.7), dbSNP rs760949880, ClinGen allele CA398997880.
Genomic context (GRCh38, chr17:31,258,415, plus strand): 5'-GCGTTTCCCTCAGAACAGCATCGGTGCAGTAGGAAGTGCCATGTTCCTCAGATTTATCAA[T>G]CCTGCCATTGTCTCACCGTATGAAGCAGGGATTTTAGATAAAAAGCCACCACCTAGAATC-3'
Protein context (NP_001035957.1, residues 1405-1425): VGSAMFLRFI[Asn1415Lys]PAIVSPYEAG

ClinVar aggregate classification (germline): Pathogenic. Review status: criteria provided, multiple submitters, no conflicts (2 of 4 stars). 2 submissions from 2 submitters: Pathogenic (2). Last evaluated 2025-04-09.

Conditions:
Neurofibromatosis, type 1 (NF1). Also called: Peripheral type neurofibromatosis; VON RECKLINGHAUSEN DISEASE; Neurofibromatosis, type I; NEUROFIBROMATOSIS, TYPE I, SOMATIC. Identifiers: Orphanet 636, MedGen C0027831, MONDO:0018975, OMIM 162200. Disease mechanism: loss of function.

Submissions (2):

NHS Central & South Genomic Laboratory Hub
Classification: Pathogenic for Neurofibromatosis type 1. Last evaluated: 2025-04-09. Review status: criteria provided, single submitter. Criteria: ACMG Guidelines, 2015. Collection method: clinical testing. Allele origin: germline. Affected: yes.

Labcorp Genetics (formerly Invitae), Labcorp
Classification: Pathogenic for Neurofibromatosis, type 1. Last evaluated: 2021-11-07. Review status: criteria provided, single submitter. Criteria: Invitae Variant Classification Sherloc (09022015). Collection method: clinical testing. Allele origin: germline.
Comment: This sequence change replaces asparagine, which is neutral and polar, with lysine, which is basic and polar, at codon 1394 of the NF1 protein (p.Asn1394Lys). This variant is not present in population databases (gnomAD no frequency). This missense change has been observed in individual(s) with clinical features of NF1-Noonan syndrome (Invitae). In at least one individual the variant was observed to be de novo. ClinVar contains an entry for this variant (Variation ID: 941609). Algorithms developed to predict the effect of missense changes on protein structure and function (SIFT, PolyPhen-2, Align-GVGD) all suggest that this variant is likely to be tolerated. This variant disrupts the p.Asn1394 amino acid residue in NF1. Other variant(s) that disrupt this residue have been determined to be pathogenic (Invitae). This suggests that this residue is clinically significant, and that variants that disrupt this residue are likely to be disease-causing. For these reasons, this variant has been classified as Pathogenic.